The following is an entry in ClinVar:

NM_001009944.3(PKD1):c.5259C>G (p.Ser1753=)

Gene: PKD1 (polycystin 1, transient receptor potential channel interacting; minus strand). Cytogenetic location: 16p13.3.
Variant type: single nucleotide variant.
Coding change: c.5259C>G on transcript NM_001009944.3 (MANE Select); coding-DNA position 5259, C replaced by G.
Protein change: p.Ser1753=; no amino-acid change (serine 1753 retained).
Molecular consequence: synonymous variant.
Genome position (GRCh38, 1-based): chr16:2,109,908, G>C on the plus strand (C>G on the coding strand, the complement: PKD1 is on the minus strand). VCF-style: chr16-2109908-G-C. GRCh37 (hg19) VCF-style: chr16-2159909-G-C.
Other names: c.5259C>G, p.Ser1753= (NM_000296.4).
Identifiers: ClinVar variation 2646015 (VCV002646015.24), dbSNP rs772246730, ClinGen allele CA7832059.
Genomic context (GRCh38, chr16:2,109,908, plus strand): 5'-TGTGGGGAAGCTATGGGTGGTAAATGGCTCGGAGGTCTCCCAGCTCAGCCCCTCCTCCAA[G>C]GACCAAGTGTATACGACACCACTGCCACCAGCCAGCTCGGCACTGAGGGTGACGCTTGTG-3'
Protein context (NP_001009944.3, residues 1743-1763): AGGSGVVYTW[Ser1753=]LEEGLSWETS

ClinVar aggregate classification (germline): Likely benign (1 of 4 stars; one submission).

Allele frequency attached by ClinVar (database versions not stated): gnomAD 0.00001; TOPMed 0.00003; ExAC 0.00010.

Submission:

CeGaT Center for Human Genetics Tuebingen
Classification: Likely benign. Last evaluated: 2025-10-01. Review status: criteria provided, single submitter. Criteria: CeGaT Center For Human Genetics Tuebingen Variant Classification Criteria Version 2. Collection method: clinical testing. Allele origin: germline. Affected: yes. Observed: 3 variant alleles.
Comment: PKD1: BP4, BP7